The following is an entry in ClinVar:

ClinVar aggregate classification (germline): Likely benign (1 of 4 stars; one submission).

gnomAD v4.1: 47 of 151,536 alleles (0.031%); highest among the groups gnomAD compares: Non-Finnish European, 0.058%; no homozygotes.

Submission:

CeGaT Center for Human Genetics Tuebingen
Classification: Likely benign. Last evaluated: 2025-06-01. Review status: criteria provided, single submitter. Criteria: CeGaT Center For Human Genetics Tuebingen Variant Classification Criteria Version 2. Collection method: clinical testing. Allele origin: germline. Affected: yes. Observed: 3 variant alleles.
Comment: GNAS: BS2

NM_080425.4(GNAS):c.2069-5722A>T

Gene: GNAS (GNAS complex locus; plus strand). Cytogenetic location: 20q13.32.
Variant type: single nucleotide variant.
Coding change: c.2069-5722A>T on transcript NM_080425.4 (MANE Plus Clinical); 5722 bases into the intron before coding-DNA position 2069, A replaced by T.
Molecular consequence: intron variant.
Genome position (GRCh38, 1-based): chr20:58,889,890, A>T. VCF-style: chr20-58889890-A-T. GRCh37 (hg19) VCF-style: chr20-57464945-A-T.
Other names: c.*43-5722A>T (NM_016592.5); c.44-5722A>T (NM_001410912.1); c.-38-5722A>T (NM_001309861.2); c.*1-5722A>T (NM_001077490.3); c.2069-5722A>T (NM_001410913.1); c.*159-5722A>T (NM_001309883.1); c.-39+537A>T (NM_001438273.1, NM_001309840.2); c.-39+558A>T (NM_001439291.1, NM_001438274.1).
Identifiers: ClinVar variation 3389309 (VCV003389309.14).